The following is an entry in ClinVar:

ClinVar aggregate classification (germline): Likely benign. Review status: criteria provided, multiple submitters, no conflicts (2 of 4 stars). 2 submissions from 2 submitters: Likely benign (2). Last evaluated 2025-12-01.

Conditions:
Ritscher-Schinzel syndrome. Also called: CRANIOCEREBELLOCARDIAC DYSPLASIA. Identifiers: Orphanet 7, MedGen C0796137, MONDO:0019078.
Hereditary spastic paraplegia 8 (SPG8). Also called: SPASTIC PARAPLEGIA 8, AUTOSOMAL DOMINANT. Identifiers: Orphanet 100989, MedGen C1863704, MONDO:0011339, OMIM 603563.

Allele frequency attached by ClinVar (database versions not stated): gnomAD 0.00003; TOPMed 0.00005; ExAC 0.00007; gnomAD exomes 0.00011.
gnomAD v4.1: 73 of 1,613,864 alleles (0.0045%); highest among the groups gnomAD compares: Admixed American, 0.052%; no homozygotes.

Submissions (2):

CeGaT Center for Human Genetics Tuebingen
Classification: Likely benign. Last evaluated: 2025-12-01. Review status: criteria provided, single submitter. Criteria: CeGaT Center For Human Genetics Tuebingen Variant Classification Criteria Version 2. Collection method: clinical testing. Allele origin: germline. Affected: yes. Observed: 1 variant allele.
Comment: WASHC5: BP4, BP7

Labcorp Genetics (formerly Invitae), Labcorp
Classification: Likely benign for Ritscher-Schinzel syndrome; Hereditary spastic paraplegia 8. Last evaluated: 2025-08-21. Review status: criteria provided, single submitter. Criteria: Invitae Variant Classification Sherloc (09022015). Collection method: clinical testing. Allele origin: germline.

NM_014846.4(WASHC5):c.3201G>A (p.Pro1067=)

Genes: WASHC5 (WASH complex subunit 5; minus strand), LOC126860498 (P300/CBP strongly-dependent group 1 enhancer GRCh37_chr8:126043836-126045035; plus strand). Cytogenetic location: 8q24.13.
Variant type: single nucleotide variant.
Coding change: c.3201G>A on transcript NM_014846.4 (MANE Select); coding-DNA position 3201, G replaced by A.
Protein change: p.Pro1067=; no amino-acid change (proline 1067 retained).
Molecular consequence: synonymous variant.
Genome position (GRCh38, 1-based): chr8:125,032,375, C>T on the plus strand (G>A on the coding strand, the complement: WASHC5 is on the minus strand). VCF-style: chr8-125032375-C-T. GRCh37 (hg19) VCF-style: chr8-126044617-C-T.
Other names: c.2757G>A, p.Pro919= (NM_001330609.2).
Identifiers: ClinVar variation 1530937 (VCV001530937.12), dbSNP rs754759068, ClinGen allele CA4873280.